The following is an entry in ClinVar:

NM_003105.6(SORL1):c.403-3C>G

Genes: SORL1 (sortilin related receptor 1; plus strand), LOC105369535 (uncharacterized LOC105369535; minus strand). Cytogenetic location: 11q24.1.
Variant type: single nucleotide variant.
Coding change: c.403-3C>G on transcript NM_003105.6 (MANE Select); 3 bases into the intron before coding-DNA position 403, C replaced by G.
Molecular consequence: intron variant.
Genome position (GRCh38, 1-based): chr11:121,478,115, C>G. VCF-style: chr11-121478115-C-G. GRCh37 (hg19) VCF-style: chr11-121348824-C-G.
Identifiers: ClinVar variation 2078422 (VCV002078422.4), dbSNP rs778896351, ClinGen allele CA6328364.

ClinVar aggregate classification (germline): Uncertain significance (1 of 4 stars; one submission).

Allele frequency attached by ClinVar (database versions not stated): ExAC 0.00001; gnomAD exomes 0.00004; gnomAD 0.00002; TOPMed 0.00006.
gnomAD v4.1: 55 of 1,611,926 alleles (0.0034%); highest among the groups gnomAD compares: Non-Finnish European, 0.0047%; no homozygotes.

Submission:

Labcorp Genetics (formerly Invitae), Labcorp
Classification: Uncertain significance. Last evaluated: 2022-06-20. Review status: criteria provided, single submitter. Criteria: Invitae Variant Classification Sherloc (09022015). Collection method: clinical testing. Allele origin: germline.
Comment: This sequence change falls in intron 2 of the SORL1 gene. It does not directly change the encoded amino acid sequence of the SORL1 protein. It affects a nucleotide within the consensus splice site. This variant is present in population databases (rs778896351, gnomAD 0.004%). This variant has not been reported in the literature in individuals affected with SORL1-related conditions. Variants that disrupt the consensus splice site are a relatively common cause of aberrant splicing (PMID: 17576681, 9536098). Algorithms developed to predict the effect of sequence changes on RNA splicing suggest that this variant is not likely to affect RNA splicing. In summary, the available evidence is currently insufficient to determine the role of this variant in disease. Therefore, it has been classified as a Variant of Uncertain Significance.

Literature cited by the submitters: PubMed 17576681; PubMed 9536098.